The following is an entry in ClinVar:

ClinVar aggregate classification (germline): Uncertain significance (1 of 4 stars; one submission).

Allele frequency attached by ClinVar (database versions not stated): gnomAD exomes below 0.00001.
gnomAD v4.1: 2 of 1,614,182 alleles (0.00012%); highest among the groups gnomAD compares: Non-Finnish European, 0.00017%; no homozygotes.

Submission:

Labcorp Genetics (formerly Invitae), Labcorp
Classification: Uncertain significance. Last evaluated: 2025-01-06. Review status: criteria provided, single submitter. Criteria: Invitae Variant Classification Sherloc (09022015). Collection method: clinical testing. Allele origin: germline.
Comment: This sequence change replaces proline, which is neutral and non-polar, with leucine, which is neutral and non-polar, at codon 28 of the RAB33B protein (p.Pro28Leu). This variant is present in population databases (no rsID available, gnomAD 0.0009%). This variant has not been reported in the literature in individuals affected with RAB33B-related conditions. ClinVar contains an entry for this variant (Variation ID: 2027937). An algorithm developed to predict the effect of missense changes on protein structure and function (PolyPhen-2) suggests that this variant is likely to be disruptive. In summary, the available evidence is currently insufficient to determine the role of this variant in disease. Therefore, it has been classified as a Variant of Uncertain Significance.

NM_031296.3(RAB33B):c.83C>T (p.Pro28Leu)

Gene: RAB33B (RAB33B, member RAS oncogene family; plus strand). Cytogenetic location: 4q31.1.
Variant type: single nucleotide variant.
Coding change: c.83C>T on transcript NM_031296.3 (MANE Select); coding-DNA position 83, C replaced by T.
Protein change: p.Pro28Leu; replaces proline 28 with leucine.
Molecular consequence: missense variant.
Genome position (GRCh38, 1-based): chr4:139,454,278, C>T. VCF-style: chr4-139454278-C-T. GRCh37 (hg19) VCF-style: chr4-140375432-C-T.
Other names: short protein forms P28L.
Identifiers: ClinVar variation 2027937 (VCV002027937.4), dbSNP rs1401671327, ClinGen allele CA358271657.
Genomic context (GRCh38, chr4:139,454,278, plus strand): 5'-CGCTCGAGGCAAGCTTTTCGTCCAGCGGGGCAGTGTCAGGGGCCTCAGGGTTTTTGCCTC[C>T]TGCCCGCTCCCGCATCTTCAAGATAATCGTGATCGGCGACTCCAATGTGGGCAAGACATG-3'
Protein context (NP_112586.1, residues 18-38): AVSGASGFLP[Pro28Leu]ARSRIFKIIV